The following is an entry in ClinVar:

NM_000400.4(ERCC2):c.1174G>C (p.Ala392Pro)

Gene: ERCC2 (ERCC excision repair 2, TFIIH core complex helicase subunit; minus strand). Cytogenetic location: 19q13.32.
Variant type: single nucleotide variant.
Coding change: c.1174G>C on transcript NM_000400.4 (MANE Select); coding-DNA position 1174, G replaced by C.
Protein change: p.Ala392Pro; replaces alanine 392 with proline.
Molecular consequence: missense variant.
Genome position (GRCh38, 1-based): chr19:45,361,587, C>G on the plus strand (G>C on the coding strand, the complement: ERCC2 is on the minus strand). VCF-style: chr19-45361587-C-G. GRCh37 (hg19) VCF-style: chr19-45864845-C-G.
Other names: c.1102G>C, p.Ala368Pro (NM_001130867.2); c.1174G>C (NM_000400.3); short protein forms A392P, A368P.
Identifiers: ClinVar variation 1492513 (VCV001492513.9), dbSNP rs2123274630, ClinGen allele CA406369991.

ClinVar aggregate classification (germline): Uncertain significance. Review status: criteria provided, multiple submitters, no conflicts (2 of 4 stars). 2 submissions from 2 submitters: Uncertain significance (2). Last evaluated 2024-03-19.

Conditions:
Inborn genetic diseases. Identifiers: MedGen C0950123, MeSH D030342.

Submissions (2):

Ambry Genetics
Classification: Uncertain significance for Inborn genetic diseases. Last evaluated: 2024-03-19. Review status: criteria provided, single submitter. Criteria: Ambry Variant Classification Scheme 2023. Collection method: clinical testing. Allele origin: germline.
Comment: The p.A392P variant (also known as c.1174G>C), located in coding exon 12 of the ERCC2 gene, results from a G to C substitution at nucleotide position 1174. The alanine at codon 392 is replaced by proline, an amino acid with highly similar properties. This amino acid position is conserved. In addition, the in silico prediction for this alteration is inconclusive. Based on the available evidence, the clinical significance of this alteration remains unclear.

Labcorp Genetics (formerly Invitae), Labcorp
Classification: Uncertain significance. Last evaluated: 2021-12-03. Review status: criteria provided, single submitter. Criteria: Invitae Variant Classification Sherloc (09022015). Collection method: clinical testing. Allele origin: germline.
Comment: Algorithms developed to predict the effect of missense changes on protein structure and function (SIFT, PolyPhen-2, Align-GVGD) all suggest that this variant is likely to be tolerated. This sequence change replaces alanine, which is neutral and non-polar, with proline, which is neutral and non-polar, at codon 392 of the ERCC2 protein (p.Ala392Pro). This variant is not present in population databases (gnomAD no frequency). This variant has not been reported in the literature in individuals affected with ERCC2-related conditions. In summary, the available evidence is currently insufficient to determine the role of this variant in disease. Therefore, it has been classified as a Variant of Uncertain Significance.